The following is an entry in ClinVar:

ClinVar aggregate classification (germline): Uncertain significance. Review status: reviewed by expert panel (3 of 4 stars). 17 submissions from 17 submitters: Uncertain significance (1). 16 of the submissions do not count toward it. Last evaluated 2022-12-01.

Conditions:
Familial thoracic aortic aneurysm and aortic dissection (TAAD). Also called: Thoracic aortic aneurysms and dissections. Identifiers: Orphanet 91387, MedGen C4707243, MONDO:0019625.
Marfan syndrome (MFS). Also called: FBN1-Related Marfan Syndrome; Marfan syndrome type 1; Marfan's syndrome; MARFAN SYNDROME, TYPE I; Marfan syndrome, classic. Identifiers: Orphanet 284963, Orphanet 558, MedGen C0024796, MONDO:0007947, OMIM 154700.

Allele frequency attached by ClinVar (database versions not stated): TOPMed 0.00013; ExAC 0.00015; gnomAD exomes 0.00015 and 0.00026; 1000 Genomes Project 30x 0.00016; gnomAD 0.00016 and 0.00017; 1000 Genomes Project 0.00020; ESP Exome Variant Server 0.00023.
gnomAD v4.1: 399 of 1,614,086 alleles (0.025%); highest among the groups gnomAD compares: Non-Finnish European, 0.031%; no homozygotes.

Submissions (17):

ClinGen FBN1 Variant Curation Expert Panel, ClinGen
Classification: Uncertain significance for Marfan syndrome. Last evaluated: 2022-12-01. Review status: reviewed by expert panel. Criteria: Assertion Criteria VCEP FBN1 Version 1. Collection method: curation. Allele origin: germline. Inheritance: Autosomal dominant inheritance.
Comment: The NM_000138 c.59A>G, is a missense variant in FBN1 predicted to cause a substitution of a Tyrosine by a Cysteine at amino acid 20 (p.Tyr20Cys). The variant in FBN1 has been reported 12 times in ClinVar: 3 times as likely benign, 8 times as uncertain significance and once as likely pathogenic (Variation ID: 161245). This variant has been identified in 37 individuals of European non-Finnish origin (MAF: 0.029%) (BS1; version 2.1.1). The constraint z-score for missense variants affecting FBN1 is 5.06, however due to the presence of two benign arguments, PP2 cannot be used. In summary, this variant meets criteria to be classified as likely benign for Marfan syndrome based on the ACMG/AMP criteria applied, as specified by the ClinGen FBN1 VCEP: BS1, BP2

GeneDx
Classification: Uncertain significance. Last evaluated: 2026-09-10. Review status: criteria provided, single submitter. Criteria: GeneDx Variant Classification Process June 2021. Collection method: clinical testing. Allele origin: germline. Not counted in ClinVar's aggregate classification.
Comment: In silico analysis supports that this missense variant has a deleterious effect on protein structure/function; Does not affect a cysteine or calcium-binding residue within an EGF-like domain or a TGF-binding protein domain of the FBN1 gene; cysteine substitutions in the EGF-like domains represent the majority of pathogenic missense changes associated with FBN1-related disorders (PMID: 12938084); This variant is associated with the following publications: (PMID: 25812041, 25637381, 26017485, 16222657, 24941995, 29543232, 12938084)

Labcorp Genetics (formerly Invitae), Labcorp
Classification: Likely benign for Marfan syndrome; Familial thoracic aortic aneurysm and aortic dissection. Last evaluated: 2026-01-27. Review status: criteria provided, single submitter. Criteria: Invitae Variant Classification Sherloc (09022015). Collection method: clinical testing. Allele origin: germline. Not counted in ClinVar's aggregate classification.

Ambry Genetics
Classification: Likely benign for Familial thoracic aortic aneurysm and aortic dissection. Last evaluated: 2025-02-13. Review status: criteria provided, single submitter. Criteria: Ambry Variant Classification Scheme 2023. Collection method: clinical testing. Allele origin: germline. Not counted in ClinVar's aggregate classification.

ARUP Laboratories, Molecular Genetics and Genomics, ARUP Laboratories
Classification: Likely benign. Last evaluated: 2025-02-10. Review status: criteria provided, single submitter. Criteria: ARUP Molecular Germline Variant Investigation Process 2024. Collection method: clinical testing. Allele origin: germline. Not counted in ClinVar's aggregate classification.

Women's Health and Genetics/Laboratory Corporation of America, LabCorp
Classification: Likely benign. Last evaluated: 2024-11-29. Review status: criteria provided, single submitter. Criteria: LabCorp Variant Classification Summary - May 2015. Collection method: clinical testing. Allele origin: germline. Not counted in ClinVar's aggregate classification.
Comment: Variant summary: FBN1 c.59A>G (p.Tyr20Cys) results in a non-conservative amino acid change in the encoded protein sequence. Four of five in-silico tools predict a benign effect of the variant on protein function. The variant allele was found at a frequency of 0.00015 in 251386 control chromosomes. The observed variant frequency is approximately 1.31 fold of the estimated maximal expected allele frequency for a pathogenic variant in FBN1 causing Marfan Syndrome phenotype (0.00011). This variant has been reported in multiple affected individuals without strong evidence for causality. Although, one paper, Yang_2014 indicates the variant does segregate with disease in the family, however, clinical information is not provided for additional family members. The following publications have been ascertained in the context of this evaluation (PMID: 16222657, 24941995, 26017485). ClinVar contains an entry for this variant (Variation ID: 161245). Based on the evidence outlined above, the variant was classified as likely benign.

Blueprint Genetics
Classification: Uncertain significance. Last evaluated: 2024-11-24. Review status: criteria provided, single submitter. Criteria: ACMG Guidelines, 2015. Collection method: clinical testing. Allele origin: germline. Not counted in ClinVar's aggregate classification.

Centre of Medical Genetics, University of Antwerp
Classification: Uncertain significance for Familial thoracic aortic aneurysm and aortic dissection. Last evaluated: 2024-09-06. Review status: criteria provided, single submitter. Criteria: ACMG Guidelines, 2015. Collection method: clinical testing. Allele origin: germline. Affected: yes. Not counted in ClinVar's aggregate classification.

CHEO Genetics Diagnostic Laboratory, Children's Hospital of Eastern Ontario
Classification: Uncertain significance for Familial thoracic aortic aneurysm and aortic dissection. Last evaluated: 2022-07-22. Review status: criteria provided, single submitter. Criteria: ACMG Guidelines, 2015. Collection method: clinical testing. Allele origin: germline. Not counted in ClinVar's aggregate classification.

Color Diagnostics, LLC DBA Color Health
Classification: Likely benign for Familial thoracic aortic aneurysm and aortic dissection. Last evaluated: 2020-01-06. Review status: criteria provided, single submitter. Criteria: ACMG Guidelines, 2015. Collection method: clinical testing. Allele origin: germline. Not counted in ClinVar's aggregate classification.

CeGaT Center for Human Genetics Tuebingen
Classification: Uncertain significance. Last evaluated: 2016-05-01. Review status: criteria provided, single submitter. Criteria: CeGaT Center For Human Genetics Tuebingen Variant Classification Criteria Version 2. Collection method: clinical testing. Allele origin: germline. Affected: yes. Observed: 1 variant allele. Not counted in ClinVar's aggregate classification.

Laboratory for Molecular Medicine, Mass General Brigham Personalized Medicine
Classification: Uncertain significance. Last evaluated: 2016-03-31. Review status: criteria provided, single submitter. Criteria: LMM Criteria. Collection method: clinical testing. Allele origin: germline. Not counted in ClinVar's aggregate classification.
Comment: Variant identified in a genome or exome case(s) and assessed due to predicted null impact of the variant or pathogenic assertions in the literature or databases. Disclaimer: This variant has not undergone full assessment. The following are preliminary notes: Multiple papers report as VUS; ExAC: 16/66648 Europeans; ClinVar: 1 LB, 2 VUS

Eurofins Ntd Llc (ga)
Classification: Uncertain significance. Last evaluated: 2015-01-09. Review status: criteria provided, single submitter. Criteria: EGL Classification Definitions 2015. Collection method: clinical testing. Allele origin: germline. Observed: 2 variant alleles, 2 heterozygotes. Not counted in ClinVar's aggregate classification.

CSER _CC_NCGL, University of Washington
Classification: Uncertain significance for Marfan syndrome. Last evaluated: 2014-06-01. Review status: no assertion criteria provided. Collection method: research. Allele origin: germline. Inheritance: Autosomal dominant inheritance. Study: ESP 6500 variant annotation. Not counted in ClinVar's aggregate classification.
Comment: Variants classified for the Actionable exomic incidental findings in 6503 participants: challenges of variant classification manuscript

Centre for Genomic and Experimental Medicine, University of Edinburgh
Classification: Likely pathogenic for Familial thoracic aortic aneurysm and aortic dissection. Review status: no assertion criteria provided. Collection method: research. Allele origin: unknown. Affected: yes. Not counted in ClinVar's aggregate classification.

Clinical Genetics DNA and cytogenetics Diagnostics Lab, Erasmus MC, Erasmus Medical Center
Classification: Uncertain significance. Review status: no assertion criteria provided. Collection method: clinical testing. Allele origin: germline. Affected: yes. Study: VKGL Data-share Consensus. Not counted in ClinVar's aggregate classification.

Diagnostic Laboratory, Department of Genetics, University Medical Center Groningen
Classification: Uncertain significance. Review status: no assertion criteria provided. Collection method: clinical testing. Allele origin: germline. Affected: yes. Study: VKGL Data-share Consensus. Not counted in ClinVar's aggregate classification.

Literature cited by the submitters: PubMed 16222657 (cited by 3 submitters); PubMed 25637381 (cited by Ambry Genetics); PubMed 26017485 (cited by Ambry Genetics and Women's Health and Genetics/Laboratory Corporation of America, LabCorp); PubMed 29543232 (cited by Ambry Genetics); PubMed 24941995 (cited by Women's Health and Genetics/Laboratory Corporation of America, LabCorp).

NM_000138.5(FBN1):c.59A>G (p.Tyr20Cys)

Genes: FBN1 (fibrillin 1; minus strand), LOC130057019 (ATAC-STARR-seq lymphoblastoid silent region 6417; plus strand). Cytogenetic location: 15q21.1.
Variant type: single nucleotide variant.
Coding change: c.59A>G on transcript NM_000138.5 (MANE Select); coding-DNA position 59, A replaced by G.
Protein change: p.Tyr20Cys; replaces tyrosine 20 with cysteine.
Molecular consequence: missense variant.
Genome position (GRCh38, 1-based): chr15:48,644,711, T>C on the plus strand (A>G on the coding strand, the complement: FBN1 is on the minus strand). VCF-style: chr15-48644711-T-C. GRCh37 (hg19) VCF-style: chr15-48936908-T-C.
Other names: p.Y20C:TAC>TGC; NM_000138.5(FBN1):c.59A>G; short protein forms Y20C.
Identifiers: ClinVar variation 161245 (VCV000161245.85), dbSNP rs201309310, ClinGen allele CA016208.